The following is an entry in ClinVar:

ClinVar aggregate classification (germline): Uncertain significance (1 of 4 stars; one submission).

Conditions:
Hereditary spastic paraplegia 48. Also called: SPASTIC PARAPLEGIA 48, AUTOSOMAL RECESSIVE; Spastic paraplegia 48. Identifiers: Orphanet 306511, MedGen C3150901, MONDO:0013342, OMIM 613647.

gnomAD v4.1: 2 of 1,610,622 alleles (0.00012%); highest among the groups gnomAD compares: Non-Finnish European, 0.00017%; no homozygotes.

Submission:

Labcorp Genetics (formerly Invitae), Labcorp
Classification: Uncertain significance for Hereditary spastic paraplegia 48. Last evaluated: 2023-08-04. Review status: criteria provided, single submitter. Criteria: Invitae Variant Classification Sherloc (09022015). Collection method: clinical testing. Allele origin: germline.
Comment: This variant is not present in population databases (gnomAD no frequency). In summary, the available evidence is currently insufficient to determine the role of this variant in disease. Therefore, it has been classified as a Variant of Uncertain Significance. Advanced modeling of protein sequence and biophysical properties (such as structural, functional, and spatial information, amino acid conservation, physicochemical variation, residue mobility, and thermodynamic stability) performed at Invitae indicates that this missense variant is not expected to disrupt AP5Z1 protein function. ClinVar contains an entry for this variant (Variation ID: 1052050). This variant has not been reported in the literature in individuals affected with AP5Z1-related conditions. This sequence change replaces glutamic acid, which is acidic and polar, with valine, which is neutral and non-polar, at codon 128 of the AP5Z1 protein (p.Glu128Val).

NM_014855.3(AP5Z1):c.383A>T (p.Glu128Val)

Gene: AP5Z1 (adaptor related protein complex 5 subunit zeta 1; plus strand). Cytogenetic location: 7p22.1.
Variant type: single nucleotide variant.
Coding change: c.383A>T on transcript NM_014855.3 (MANE Select); coding-DNA position 383, A replaced by T.
Protein change: p.Glu128Val; replaces glutamic acid 128 with valine.
Molecular consequence: missense variant. On other transcripts: 5 prime UTR variant (1), non-coding transcript variant (1).
Genome position (GRCh38, 1-based): chr7:4,783,332, A>T. VCF-style: chr7-4783332-A-T. GRCh37 (hg19) VCF-style: chr7-4822963-A-T.
Other names: c.-86A>T (NM_001364858.1); short protein forms E128V.
Identifiers: ClinVar variation 1052050 (VCV001052050.8), dbSNP rs1781435214, ClinGen allele CA366658867.